The following is an entry in ClinVar:

ClinVar aggregate classification (germline): Uncertain significance (1 of 4 stars; one submission).

Conditions:
Gastrointestinal stromal tumor. Also called: Gastrointestinal stromal tumor, somatic; Gastrointestinal stroma tumor. Identifiers: Orphanet 44890, MedGen C0238198, MeSH D046152, MONDO:0011719, OMIM 606764, HP:0100723.

Submission:

Labcorp Genetics (formerly Invitae), Labcorp
Classification: Uncertain significance for Gastrointestinal stromal tumor. Last evaluated: 2024-02-09. Review status: criteria provided, single submitter. Criteria: Invitae Variant Classification Sherloc (09022015). Collection method: clinical testing. Allele origin: germline.
Comment: This sequence change replaces glutamine, which is neutral and polar, with histidine, which is basic and polar, at codon 199 of the PDGFRA protein (p.Gln199His). This variant is not present in population databases (gnomAD no frequency). This variant has not been reported in the literature in individuals affected with PDGFRA-related conditions. Advanced modeling of protein sequence and biophysical properties (such as structural, functional, and spatial information, amino acid conservation, physicochemical variation, residue mobility, and thermodynamic stability) performed at Invitae indicates that this missense variant is not expected to disrupt PDGFRA protein function with a negative predictive value of 80%. In summary, the available evidence is currently insufficient to determine the role of this variant in disease. Therefore, it has been classified as a Variant of Uncertain Significance.

NM_006206.6(PDGFRA):c.597G>T (p.Gln199His)

Gene: PDGFRA (platelet derived growth factor receptor alpha; plus strand). Cytogenetic location: 4q12.
Variant type: single nucleotide variant.
Coding change: c.597G>T on transcript NM_006206.6 (MANE Select); coding-DNA position 597, G replaced by T.
Protein change: p.Gln199His; replaces glutamine 199 with histidine.
Molecular consequence: missense variant.
Genome position (GRCh38, 1-based): chr4:54,263,896, G>T. VCF-style: chr4-54263896-G-T. GRCh37 (hg19) VCF-style: chr4-55130063-G-T.
Other names: c.597G>T, p.Gln199His (NM_001347827.2, NM_001347829.2); c.672G>T, p.Gln224His (NM_001347828.2); c.636G>T, p.Gln212His (NM_001347830.2); short protein forms Q199H, Q224H, Q212H.
Identifiers: ClinVar variation 3639814 (VCV003639814.2).